The following is an entry in ClinVar:

NM_004260.4(RECQL4):c.2749G>T (p.Glu917Ter)

Gene: RECQL4 (RecQ like helicase 4; minus strand). Cytogenetic location: 8q24.3.
Variant type: single nucleotide variant.
Coding change: c.2749G>T on transcript NM_004260.4 (MANE Select); coding-DNA position 2749, G replaced by T.
Protein change: p.Glu917Ter; replaces glutamic acid 917 with a stop codon.
Molecular consequence: nonsense.
Genome position (GRCh38, 1-based): chr8:144,512,853, C>A on the plus strand (G>T on the coding strand, the complement: RECQL4 is on the minus strand). VCF-style: chr8-144512853-C-A. GRCh37 (hg19) VCF-style: chr8-145738236-C-A.
Other names: c.2455G>T, p.Glu819Ter (NM_001413017.1); c.2551G>T, p.Glu851Ter (NM_001413018.1); c.2749G>T, p.Glu917Ter (NM_001413019.1, NM_001413036.1); c.2653G>T, p.Glu885Ter (NM_001413020.1); c.1678G>T, p.Glu560Ter (NM_001413021.1, NM_001413022.1, NM_001413023.1 and 5 more transcripts); c.2620G>T, p.Glu874Ter (NM_001413025.1); c.1612G>T, p.Glu538Ter (NM_001413027.1, NM_001413030.1, NM_001413041.1 and 1 more transcripts); c.2398G>T, p.Glu800Ter (NM_001413029.1); and 6 more; short protein forms E550*, E885*, E538*, E873*, E907*, E428*, E800*, E851*.
Identifiers: ClinVar variation 2107515 (VCV002107515.4), dbSNP rs377343487, ClinGen allele CA372674759.

ClinVar aggregate classification (germline): Pathogenic (1 of 4 stars; one submission).

Conditions:
Baller-Gerold syndrome (BGS). Also called: CRANIOSYNOSTOSIS WITH RADIAL DEFECTS. Identifiers: Orphanet 1225, MedGen C0265308, MONDO:0009039, OMIM 218600.

Submission:

Labcorp Genetics (formerly Invitae), Labcorp
Classification: Pathogenic for Baller-Gerold syndrome. Last evaluated: 2022-03-08. Review status: criteria provided, single submitter. Criteria: Invitae Variant Classification Sherloc (09022015). Collection method: clinical testing. Allele origin: germline.
Comment: This variant is not present in population databases (gnomAD no frequency). This sequence change creates a premature translational stop signal (p.Glu917*) in the RECQL4 gene. It is expected to result in an absent or disrupted protein product. Loss-of-function variants in RECQL4 are known to be pathogenic (PMID: 12734318, 12952869). This variant has not been reported in the literature in individuals affected with RECQL4-related conditions. Algorithms developed to predict the effect of sequence changes on RNA splicing suggest that this variant may disrupt the consensus splice site. For these reasons, this variant has been classified as Pathogenic.

Literature cited by the submitters: PubMed 12734318; PubMed 12952869.